The following is an entry in ClinVar:

NM_001130438.3(SPTAN1):c.4174G>A (p.Ala1392Thr)

Gene: SPTAN1 (spectrin alpha, non-erythrocytic 1; plus strand). Cytogenetic location: 9q34.11.
Variant type: single nucleotide variant.
Coding change: c.4174G>A on transcript NM_001130438.3 (MANE Select); coding-DNA position 4174, G replaced by A.
Protein change: p.Ala1392Thr; replaces alanine 1392 with threonine.
Molecular consequence: missense variant.
Genome position (GRCh38, 1-based): chr9:128,607,879, G>A. VCF-style: chr9-128607879-G-A. GRCh37 (hg19) VCF-style: chr9-131370158-G-A.
Other names: c.4114G>A, p.Ala1372Thr (NM_001195532.2, NM_001363765.2, NM_001375314.2); c.4174G>A, p.Ala1392Thr (NM_001363759.2, NM_001375310.1, NM_001375311.2 and 2 more transcripts); c.4210G>A, p.Ala1404Thr (NM_001375312.2, NM_001375318.1); short protein forms A1404T, A1372T, A1392T.
Identifiers: ClinVar variation 833654 (VCV000833654.11), dbSNP rs972500325, ClinGen allele CA200396129.

ClinVar aggregate classification (germline): Conflicting classifications of pathogenicity. Review status: criteria provided, conflicting classifications (1 of 4 stars). 2 submissions from 2 submitters: Uncertain significance (1); Likely benign (1). Last evaluated 2026-08-06.

Conditions:
Early-infantile DEE. Also called: Ohtahara syndrome; Early infantile epileptic encephalopathy; Early infantile epileptic encephalopathy with suppression bursts. Identifiers: Orphanet 1934, MedGen C0393706, MONDO:0800491.
Neuronopathy, distal hereditary motor, autosomal dominant 11. Also called: NEUROPATHY, DISTAL HEREDITARY MOTOR, 11. Identifiers: MedGen C5882697, MONDO:0957875, OMIM 620528.

Allele frequency attached by ClinVar (database versions not stated): TOPMed below 0.00001; gnomAD 0.00001.
gnomAD v4.1: 2 of 1,613,926 alleles (0.00012%); highest among the groups gnomAD compares: Admixed American, 0.0033%; no homozygotes.

Submissions (2):

OLLIN Analises Genomicas, OLLIN
Classification: Uncertain significance for Neuronopathy, distal hereditary motor, autosomal dominant 11. Last evaluated: 2026-08-06. Review status: criteria provided, single submitter. Criteria: ACMG Guidelines 2015 PMID 25741868. Collection method: clinical testing. Allele origin: germline. Inheritance: Autosomal dominant inheritance.
Comment: This missense variant, located in exon 33 (of 57), has been reported in ClinVar (accession VCV000833654.10) and in gnomAD with an allele frequency of 0.00012%. However, to our knowledge, it has not been reported in the scientific literature. In silico analysis predicts that this variant has a tolerated effect. This gene is constrained for missense variation. According to the currently available evidence, this variant has been classified as uncertain significance (PP2, BP4_M).

Labcorp Genetics (formerly Invitae), Labcorp
Classification: Likely benign for Early-infantile DEE. Last evaluated: 2025-09-24. Review status: criteria provided, single submitter. Criteria: Invitae Variant Classification Sherloc (09022015). Collection method: clinical testing. Allele origin: germline.